The following is an entry in ClinVar:

NM_000059.4(BRCA2):c.6120A>G (p.Ile2040Met)

Gene: BRCA2 (BRCA2 DNA repair associated; plus strand). Cytogenetic location: 13q13.1.
Variant type: single nucleotide variant.
Coding change: c.6120A>G on transcript NM_000059.4 (MANE Select); coding-DNA position 6120, A replaced by G.
Protein change: p.Ile2040Met; replaces isoleucine 2040 with methionine.
Molecular consequence: missense variant.
Genome position (GRCh38, 1-based): chr13:32,340,475, A>G. VCF-style: chr13-32340475-A-G. GRCh37 (hg19) VCF-style: chr13-32914612-A-G.
Other names: short protein forms I2040M.
Identifiers: ClinVar variation 141158 (VCV000141158.14), dbSNP rs587781539, ClinGen allele CA023674.
Genomic context (GRCh38, chr13:32,340,475, plus strand): 5'-ACATTCAGACCAGCTCACAAGAGAAGAAAATACTGCTATACGTACTCCAGAACATTTAAT[A>G]TCCCAAAAAGGCTTTTCATATAATGTGGTAAATTCATCTGCTTTCTCTGGATTTAGTACA-3'
Protein context (NP_000050.3, residues 2030-2050): NTAIRTPEHL[Ile2040Met]SQKGFSYNVV

ClinVar aggregate classification (germline): Conflicting classifications of pathogenicity. Review status: criteria provided, conflicting classifications (1 of 4 stars). 4 submissions from 4 submitters: Uncertain significance (3); Likely benign (1). Last evaluated 2025-01-06.

Conditions:
Hereditary cancer-predisposing syndrome. Also called: Neoplastic Syndromes, Hereditary; Tumor predisposition; Hereditary Cancer Syndrome; Hereditary neoplastic syndrome. Identifiers: Orphanet 140162, MedGen C0027672, MeSH D009386, MONDO:0015356.
Hereditary breast ovarian cancer syndrome. Also called: Breast and ovarian cancer; Hereditary breast and ovarian cancer; Hereditary breast and/or ovarian cancer syndrome; BRCA1- and BRCA2-Associated Hereditary Breast and Ovarian Cancer; Hereditary breast and ovarian cancer syndrome; Hereditary breast and ovarian cancer syndrome (HBOC). Identifiers: Orphanet 145, MedGen C0677776, MeSH D061325, MONDO:0003582. Disease mechanism: loss of function.

Submissions (4):

Labcorp Genetics (formerly Invitae), Labcorp
Classification: Uncertain significance for Hereditary breast ovarian cancer syndrome. Last evaluated: 2025-01-06. Review status: criteria provided, single submitter. Criteria: Invitae Variant Classification Sherloc (09022015). Collection method: clinical testing. Allele origin: germline.
Comment: This sequence change replaces isoleucine, which is neutral and non-polar, with methionine, which is neutral and non-polar, at codon 2040 of the BRCA2 protein (p.Ile2040Met). This variant is not present in population databases (gnomAD no frequency). This missense change has been observed in individual(s) with breast cancer (PMID: 33342804). ClinVar contains an entry for this variant (Variation ID: 141158). Invitae Evidence Modeling of protein sequence and biophysical properties (such as structural, functional, and spatial information, amino acid conservation, physicochemical variation, residue mobility, and thermodynamic stability) indicates that this missense variant is not expected to disrupt BRCA2 protein function with a negative predictive value of 95%. In summary, the available evidence is currently insufficient to determine the role of this variant in disease. Therefore, it has been classified as a Variant of Uncertain Significance.

University of Washington Department of Laboratory Medicine, University of Washington
Classification: Likely benign for Hereditary cancer-predisposing syndrome. Last evaluated: 2023-03-23. Review status: criteria provided, single submitter. Criteria: Dines et al. (Genet Med. 2020). Collection method: curation. Allele origin: germline.
Comment: Missense variant in a coldspot region where missense variants are very unlikely to be pathogenic (PMID:31911673).

BRCA2 exon 11 coldspot. Reclassification based on statistical prior probability.

GeneDx
Classification: Uncertain significance. Last evaluated: 2022-10-03. Review status: criteria provided, single submitter. Criteria: GeneDx Variant Classification Process June 2021. Collection method: clinical testing. Allele origin: germline. Affected: yes.
Comment: Not observed at significant frequency in large population cohorts (gnomAD); In silico analysis supports that this missense variant does not alter protein structure/function; Has not been previously published as pathogenic or benign to our knowledge; Also known as 6348A>G

Ambry Genetics
Classification: Uncertain significance for Hereditary cancer-predisposing syndrome. Last evaluated: 2020-07-01. Review status: criteria provided, single submitter. Criteria: Ambry Variant Classification Scheme 2023. Collection method: clinical testing. Allele origin: germline.
Comment: The p.I2040M variant (also known as c.6120A>G), located in coding exon 10 of the BRCA2 gene, results from an A to G substitution at nucleotide position 6120. The isoleucine at codon 2040 is replaced by methionine, an amino acid with highly similar properties. This amino acid position is poorly conserved in available vertebrate species. In addition, this alteration is predicted to be tolerated by in silico analysis. Since supporting evidence is limited at this time, the clinical significance of this alteration remains unclear.

Literature cited by the submitters: PubMed 33342804 (cited by Labcorp Genetics (formerly Invitae), Labcorp).